The following is an entry in ClinVar:

ClinVar aggregate classification (germline): Uncertain significance (1 of 4 stars; one submission).

Submission:

Laboratory for Molecular Medicine, Mass General Brigham Personalized Medicine
Classification: Uncertain significance. Last evaluated: 2021-05-13. Review status: criteria provided, single submitter. Criteria: ACMG Guidelines, 2015. Collection method: clinical testing. Allele origin: germline.
Comment: Data from large population studies is insufficient to assess the frequency of this variant. Computational prediction tools and conservation analyses suggest that this variant may impact the protein, though this information is not predictive enough to determine pathogenicity. In summary, the clinical significance of this variant is uncertain. ACMG/AMP Criteria applied: PM3, PP3.

NM_153700.2(STRC):c.1454G>T (p.Cys485Phe)

Gene: STRC (stereocilin; minus strand). Cytogenetic location: 15q15.3.
Variant type: single nucleotide variant.
Coding change: c.1454G>T on transcript NM_153700.2 (MANE Select); coding-DNA position 1454, G replaced by T.
Protein change: p.Cys485Phe; replaces cysteine 485 with phenylalanine.
Molecular consequence: missense variant.
Genome position (GRCh38, 1-based): chr15:43,616,112, C>A on the plus strand (G>T on the coding strand, the complement: STRC is on the minus strand). VCF-style: chr15-43616112-C-A. GRCh37 (hg19) VCF-style: chr15-43908310-C-A.
Other names: short protein forms C485F.
Identifiers: ClinVar variation 3075828 (VCV003075828.1), dbSNP rs2507595825, ClinGen allele CA392182600.